The following is an entry in ClinVar:

NM_031310.3(PLVAP):c.952A>G (p.Ser318Gly)

Gene: PLVAP (plasmalemma vesicle associated protein; minus strand). Cytogenetic location: 19p13.11.
Variant type: single nucleotide variant.
Coding change: c.952A>G on transcript NM_031310.3 (MANE Select); coding-DNA position 952, A replaced by G.
Protein change: p.Ser318Gly; replaces serine 318 with glycine.
Molecular consequence: missense variant.
Genome position (GRCh38, 1-based): chr19:17,365,513, T>C on the plus strand (A>G on the coding strand, the complement: PLVAP is on the minus strand). VCF-style: chr19-17365513-T-C. GRCh37 (hg19) VCF-style: chr19-17476322-T-C.
Other names: c.952A>G (NM_031310.1); short protein forms S318G.
Identifiers: ClinVar variation 2056978 (VCV002056978.4), dbSNP rs759726274, ClinGen allele CA9293923.
Genomic context (GRCh38, chr19:17,365,513, plus strand): 5'-CTTGGAGCTTGGCCTCCCGGGCCTGAGCCTCCTTCTCCACCTTCTGTTTCGCCTCCTGAC[T>C]GGCCCGCAGGCCCTGCTGGGCTTCCAGCTTCTGGCGTTGGAGGTCTGAGTTCTCGCGGGC-3'
Protein context (NP_112600.1, residues 308-328): KLEAQQGLRA[Ser318Gly]QEAKQKVEKE

ClinVar aggregate classification (germline): Uncertain significance. Review status: criteria provided, multiple submitters, no conflicts (2 of 4 stars). 2 submissions from 2 submitters: Uncertain significance (2). Last evaluated 2024-11-13.

Conditions:
Inborn genetic diseases. Identifiers: MedGen C0950123, MeSH D030342.

Allele frequency attached by ClinVar (database versions not stated): ExAC 0.00002.
gnomAD v4.1: 38 of 1,612,166 alleles (0.0024%); highest among the groups gnomAD compares: Non-Finnish European, 0.0029%; no homozygotes.

Submissions (2):

Ambry Genetics
Classification: Uncertain significance for Inborn genetic diseases. Last evaluated: 2024-11-13. Review status: criteria provided, single submitter. Criteria: Ambry Variant Classification Scheme 2023. Collection method: clinical testing. Allele origin: germline.

Labcorp Genetics (formerly Invitae), Labcorp
Classification: Uncertain significance. Last evaluated: 2022-04-12. Review status: criteria provided, single submitter. Criteria: Invitae Variant Classification Sherloc (09022015). Collection method: clinical testing. Allele origin: germline.
Comment: In summary, the available evidence is currently insufficient to determine the role of this variant in disease. Therefore, it has been classified as a Variant of Uncertain Significance. Algorithms developed to predict the effect of missense changes on protein structure and function output the following: SIFT: "Tolerated"; PolyPhen-2: "Benign"; Align-GVGD: "Class C0". The glycine amino acid residue is found in multiple mammalian species, which suggests that this missense change does not adversely affect protein function. This variant has not been reported in the literature in individuals affected with PLVAP-related conditions. This variant is present in population databases (rs759726274, gnomAD 0.004%). This sequence change replaces serine, which is neutral and polar, with glycine, which is neutral and non-polar, at codon 318 of the PLVAP protein (p.Ser318Gly).